The following is an entry in ClinVar:

NC_000023.10:g.(?_18525053)_(20284750_?)del

Genes: ADGRG2 (adhesion G protein-coupled receptor G2; minus strand), BCLAF3 (BCLAF1 and THRAP3 family member 3; minus strand), CDKL5 (cyclin dependent kinase like 5; plus strand), EIF1AX (eukaryotic translation initiation factor 1A X-linked; minus strand), MAP3K15 (mitogen-activated protein kinase kinase kinase 15; minus strand) and 7 more. Cytogenetic location: Xp22.13-22.12.
Variant type: Deletion.
Identifiers: ClinVar variation 2426989 (VCV002426989.4).

ClinVar aggregate classification (germline): no classifications from unflagged records (0 of 4 stars; one submission).

Submission:

Labcorp Genetics (formerly Invitae), Labcorp
Classification: Uncertain significance. Last evaluated: 2022-03-02. Review status: flagged submission. Criteria: Invitae Variant Classification Sherloc (09022015). Collection method: clinical testing. Allele origin: germline.
Comment: A gross deletion of the genomic region encompassing the full coding sequence of the SH3KBP1 gene has been identified. The current clinical and genetic evidence is not sufficient to establish whether loss-of-function variants in SH3KBP1 cause disease. The boundaries of this event are unknown as they extend beyond the assayed region for this gene and therefore may encompass additional genes. This variant has not been reported in the literature in individuals affected with SH3KBP1-related conditions. In summary, the available evidence is currently insufficient to determine the role of this variant in disease. Therefore, it has been classified as a Variant of Uncertain Significance.
ClinVar note: Notes: This submission was flagged because its interpretation of this variant conflicts with the ClinGen Gene Dosage Map curations for the following genes: RS1 PDHA1.
ClinVar note: Reason: Conflict with ClinGen Gene Dosage Map